The following is an entry in ClinVar:

ClinVar aggregate classification (germline): Uncertain significance (1 of 4 stars; one submission).

Submission:

Labcorp Genetics (formerly Invitae), Labcorp
Classification: Uncertain significance. Last evaluated: 2025-10-19. Review status: criteria provided, single submitter. Criteria: Invitae Variant Classification Sherloc (09022015). Collection method: clinical testing. Allele origin: germline.
Comment: This sequence change replaces asparagine, which is neutral and polar, with leucine, which is neutral and non-polar, at codon 1431 of the FBN3 protein (p.Asn1431Leu). The frequency data for this variant in the population databases is considered unreliable, as metrics indicate poor data quality at this position in the gnomAD database. This variant has not been reported in the literature in individuals affected with FBN3-related conditions. An algorithm developed to predict the effect of missense changes on protein structure and function (PolyPhen-2) suggests that this variant is likely to be tolerated. In summary, the available evidence is currently insufficient to determine the role of this variant in disease. Therefore, it has been classified as a Variant of Uncertain Significance.

NM_032447.5(FBN3):c.4291_4292delinsCT (p.Asn1431Leu)

Gene: FBN3 (fibrillin 3; minus strand). Cytogenetic location: 19p13.2.
Variant type: Indel.
Coding change: c.4291_4292delinsCT on transcript NM_032447.5 (MANE Select); coding-DNA positions 4291 to 4292, AA replaced by CT.
Protein change: p.Asn1431Leu; replaces asparagine 1431 with leucine.
Molecular consequence: missense variant.
Genome position (GRCh38, 1-based): chr19:8,110,886-8,110,887, TT replaced by AG on the plus strand (AA replaced by CT on the coding strand, the reverse complement: FBN3 is on the minus strand). VCF-style: chr19-8110886-TT-AG. GRCh37 (hg19) VCF-style: chr19-8175770-TT-AG.
Other names: c.4291_4292delinsCT, p.Asn1431Leu (NM_001321431.2); short protein forms N1431L.
Identifiers: ClinVar variation 4811162 (VCV004811162.1).
Genomic context (GRCh38, chr19:8,110,886, plus strand): 5'-AGCCCAGATGACCTCACACCTGTGCAGTTGCCACCCCCTCGGTCCAGTTCGTAGCCACCA[TT>AG]GCAGATGCAGCGGAACATTCCAGGCAGGTTCTCACAGCTCCCAAATGCACAGAGGTTCCC-3'
Protein context (NP_115823.3, residues 1421-1441): NLPGMFRCIC[Asn1431Leu]GGYELDRGGG